The following is an entry in ClinVar:

ClinVar aggregate classification (germline): Uncertain significance (1 of 4 stars; one submission).

Allele frequency attached by ClinVar (database versions not stated): gnomAD exomes below 0.00001.

Submission:

Labcorp Genetics (formerly Invitae), Labcorp
Classification: Uncertain significance. Last evaluated: 2022-01-12. Review status: criteria provided, single submitter. Criteria: Invitae Variant Classification Sherloc (09022015). Collection method: clinical testing. Allele origin: germline.
Comment: This sequence change replaces glutamic acid, which is acidic and polar, with glutamine, which is neutral and polar, at codon 2 of the PHYH protein (p.Glu2Gln). This variant is not present in population databases (gnomAD no frequency). This variant has not been reported in the literature in individuals affected with PHYH-related conditions. Algorithms developed to predict the effect of missense changes on protein structure and function (SIFT, PolyPhen-2, Align-GVGD) all suggest that this variant is likely to be tolerated. In summary, the available evidence is currently insufficient to determine the role of this variant in disease. Therefore, it has been classified as a Variant of Uncertain Significance.

NM_006214.4(PHYH):c.4G>C (p.Glu2Gln)

Genes: PHYH (phytanoyl-CoA 2-hydroxylase; minus strand), LOC130003374 (ATAC-STARR-seq lymphoblastoid silent region 2152; plus strand). Cytogenetic location: 10p13.
Variant type: single nucleotide variant.
Coding change: c.4G>C on transcript NM_006214.4 (MANE Select); coding-DNA position 4, G replaced by C.
Protein change: p.Glu2Gln; replaces glutamic acid 2 with glutamine.
Molecular consequence: missense variant.
Genome position (GRCh38, 1-based): chr10:13,300,039, C>G on the plus strand (G>C on the coding strand, the complement: PHYH is on the minus strand). VCF-style: chr10-13300039-C-G. GRCh37 (hg19) VCF-style: chr10-13342039-C-G.
Other names: c.4G>C, p.Glu2Gln (NM_001323082.2, NM_001323083.2); short protein forms E2Q.
Identifiers: ClinVar variation 1509953 (VCV001509953.5), dbSNP rs2131665256, ClinGen allele CA376038537.